The following is an entry in ClinVar:

NM_014946.4(SPAST):c.1729-20T>C

Gene: SPAST (spastin; plus strand). Cytogenetic location: 2p22.3.
Variant type: single nucleotide variant.
Coding change: c.1729-20T>C on transcript NM_014946.4 (MANE Select); 20 bases into the intron before coding-DNA position 1729, T replaced by C.
Molecular consequence: intron variant.
Genome position (GRCh38, 1-based): chr2:32,154,354, T>C. VCF-style: chr2-32154354-T-C. GRCh37 (hg19) VCF-style: chr2-32379423-T-C.
Other names: c.1633-20T>C (NM_199436.2); c.*2-20T>C (NM_001377959.1); c.1726-20T>C (NM_001363823.2); c.1630-20T>C (NM_001363875.2).
Identifiers: ClinVar variation 3686867 (VCV003686867.2).

ClinVar aggregate classification (germline): Uncertain significance (1 of 4 stars; one submission).

Conditions:
Hereditary spastic paraplegia 4. Also called: Spastic paraplegia 4, autosomal dominant; Familial spastic paraplegia autosomal dominant 2; Spastic Paraplegia 4. Identifiers: Orphanet 100985, MedGen C1866855, MONDO:0008438, OMIM 182601.

Submission:

Labcorp Genetics (formerly Invitae), Labcorp
Classification: Uncertain significance for Hereditary spastic paraplegia 4. Last evaluated: 2025-09-02. Review status: criteria provided, single submitter. Criteria: Invitae Variant Classification Sherloc (09022015). Collection method: clinical testing. Allele origin: germline.
Comment: This sequence change falls in intron 16 of the SPAST gene. It does not directly change the encoded amino acid sequence of the SPAST protein. This variant is not present in population databases (gnomAD no frequency). This variant has not been reported in the literature in individuals affected with SPAST-related conditions. ClinVar contains an entry for this variant (Variation ID: 3686867). Algorithms developed to predict the effect of sequence changes on RNA splicing suggest that this variant may disrupt the consensus splice site. In summary, the available evidence is currently insufficient to determine the role of this variant in disease. Therefore, it has been classified as a Variant of Uncertain Significance.